The following is an entry in ClinVar:

ClinVar aggregate classification (germline): Uncertain significance (1 of 4 stars; one submission).

Conditions:
Cardiovascular phenotype. Identifiers: MedGen CN230736.

Allele frequency attached by ClinVar (database versions not stated): gnomAD exomes below 0.00001.
gnomAD v4.1: 2 of 1,614,138 alleles (0.00012%); highest among the groups gnomAD compares: East Asian, 0.0045%; no homozygotes.

Submission:

Ambry Genetics
Classification: Uncertain significance for Cardiovascular phenotype. Last evaluated: 2022-03-23. Review status: criteria provided, single submitter. Criteria: Ambry Variant Classification Scheme 2023. Collection method: clinical testing. Allele origin: germline.
Comment: The p.S1144C variant (also known as c.3431C>G), located in coding exon 26 of the JAG1 gene, results from a C to G substitution at nucleotide position 3431. The serine at codon 1144 is replaced by cysteine, an amino acid with dissimilar properties. This amino acid position is conserved. In addition, this alteration is predicted to be deleterious by in silico analysis. Since supporting evidence is limited at this time, the clinical significance of this alteration remains unclear.

NM_000214.3(JAG1):c.3431C>G (p.Ser1144Cys)

Gene: JAG1 (jagged canonical Notch ligand 1; minus strand). Cytogenetic location: 20p12.2.
Variant type: single nucleotide variant.
Coding change: c.3431C>G on transcript NM_000214.3 (MANE Select); coding-DNA position 3431, C replaced by G.
Protein change: p.Ser1144Cys; replaces serine 1144 with cysteine.
Molecular consequence: missense variant.
Genome position (GRCh38, 1-based): chr20:10,639,724, G>C on the plus strand (C>G on the coding strand, the complement: JAG1 is on the minus strand). VCF-style: chr20-10639724-G-C. GRCh37 (hg19) VCF-style: chr20-10620372-G-C.
Other names: short protein forms S1144C.
Identifiers: ClinVar variation 1731379 (VCV001731379.2), dbSNP rs1384462228, ClinGen allele CA408242979.